The following is an entry in ClinVar:

ClinVar aggregate classification (germline): Pathogenic/Likely pathogenic. Review status: criteria provided, multiple submitters, no conflicts (2 of 4 stars). 3 submissions from 3 submitters: Pathogenic (1); Likely pathogenic (1). 1 of the submissions does not count toward it. Last evaluated 2023-05-09.

Conditions:
Neurodevelopmental disorder with nonspecific brain abnormalities and with or without seizures. Identifiers: MedGen C5231470, MONDO:0032877, OMIM 618709.

Submissions (3):

Institute of Human Genetics, University of Leipzig Medical Center
Classification: Pathogenic for Neurodevelopmental disorder with nonspecific brain abnormalities and with or without seizures. Last evaluated: 2023-05-09. Review status: criteria provided, single submitter. Criteria: ACMG Guidelines, 2015. Collection method: clinical testing. Allele origin: unknown. Inheritance: Autosomal dominant inheritance. Affected: yes.
Comment: Criteria applied: PVS1,PS2_MOD,PS4_MOD,PM2_SUP

CeGaT Center for Human Genetics Tuebingen
Classification: Likely pathogenic. Last evaluated: 2020-09-01. Review status: criteria provided, single submitter. Criteria: CeGaT Center For Human Genetics Tuebingen Variant Classification Criteria Version 2. Collection method: clinical testing. Allele origin: germline. Affected: yes. Observed: 1 variant allele.

OMIM
Classification: Pathogenic for NEURODEVELOPMENTAL DISORDER WITH NONSPECIFIC BRAIN ABNORMALITIES AND WITH OR WITHOUT SEIZURES. Last evaluated: 2019-12-20. Review status: no assertion criteria provided. Collection method: literature only. Allele origin: germline. Not counted in ClinVar's aggregate classification.

Literature cited by the submitters: PubMed 31353024 (cited by OMIM).

NM_005618.4(DLL1):c.2013_2014del (p.Glu673fs)

Genes: DLL1 (delta like canonical Notch ligand 1; minus strand), LOC126859913 (P300/CBP strongly-dependent group 1 enhancer GRCh37_chr6:170591232-170592431; plus strand). Cytogenetic location: 6q27.
Variant type: Deletion.
Coding change: c.2013_2014del on transcript NM_005618.4 (MANE Select); coding-DNA positions 2013 to 2014, 2 bases deleted (AG; older notation c.2013_2014delAG).
Protein change: p.Glu673fs; shifts the reading frame from glutamic acid 673.
Molecular consequence: frameshift variant.
Genome position (GRCh38, 1-based): chr6:170,283,265-170,283,266, CT deleted on the plus strand (AG on the coding strand, the reverse complement: DLL1 is on the minus strand). VCF-style (leftmost placement, unchanged base first): chr6-170283264-CCT-C. GRCh37 (hg19) VCF-style: chr6-170592352-CCT-C.
Other names: short protein forms E673fs.
Identifiers: ClinVar variation 800563 (VCV000800563.41), dbSNP rs1583151308, ClinGen allele CA913110010.